The following is an entry in ClinVar:

NM_001267550.2(TTN):c.5702A>G (p.Asp1901Gly)

Gene: TTN (titin; minus strand). Cytogenetic location: 2q31.2.
Variant type: single nucleotide variant.
Coding change: c.5702A>G on transcript NM_001267550.2 (MANE Select); coding-DNA position 5702, A replaced by G.
Protein change: p.Asp1901Gly; replaces aspartic acid 1901 with glycine.
Molecular consequence: missense variant.
Genome position (GRCh38, 1-based): chr2:178,776,162, T>C on the plus strand (A>G on the coding strand, the complement: TTN is on the minus strand). VCF-style: chr2-178776162-T-C. GRCh37 (hg19) VCF-style: chr2-179640889-T-C.
Other names: c.5702A>G, p.Asp1901Gly (NM_001256850.1, NM_133378.4, NM_133379.5); c.5564A>G, p.Asp1855Gly (NM_003319.4, NM_133432.3, NM_133437.4); short protein forms D1855G, D1901G.
Identifiers: ClinVar variation 2437963 (VCV002437963.4), dbSNP rs1414147349, ClinGen allele CA349448621.

ClinVar aggregate classification (germline): Conflicting classifications of pathogenicity. Review status: criteria provided, conflicting classifications (1 of 4 stars). 2 submissions from 2 submitters: Uncertain significance (1); Likely benign (1). Last evaluated 2026-09-21.

Allele frequency attached by ClinVar (database versions not stated): TOPMed 0.00001; gnomAD exomes 0.00001; gnomAD 0.00001.
gnomAD v4.1: 15 of 1,614,054 alleles (0.00093%); highest among the groups gnomAD compares: Non-Finnish European, 0.0011%; no homozygotes.

Submissions (2):

Molecular Diagnostic Laboratory for Inherited Cardiovascular Disease, Montreal Heart Institute
Classification: Likely benign. Last evaluated: 2026-09-21. Review status: criteria provided, single submitter. Criteria: ACMG Guidelines, 2015. Collection method: clinical testing. Allele origin: germline. Affected: no.
Comment: BP1

Revvity Omics, Revvity
Classification: Uncertain significance. Last evaluated: 2022-02-16. Review status: criteria provided, single submitter. Criteria: ACMG Guidelines, 2015. Collection method: clinical testing. Allele origin: germline.